The following continues an entry in ClinVar:

NM_000051.4(ATM):c.1339C>T (p.Arg447Ter)

Gene: ATM. ClinVar aggregate classification (germline): Pathogenic. Pathogenic (17).

Submissions 11 to 19 of 19:

3billion
Classification: Pathogenic for Ataxia-telangiectasia syndrome. Last evaluated: 2022-09-01. Review status: criteria provided, single submitter. Criteria: ACMG Guidelines, 2015. Collection method: clinical testing. Allele origin: germline. Affected: yes. Observed: 1 homozygote.
Comment: The variant is observed at an extremely low frequency in the gnomAD v2.1.1 dataset (total allele frequency: <0.001%). Stop-gained (nonsense) is predicted to result in a loss or disruption of normal protein function through nonsense-mediated decay (NMD) or protein truncation. Multiple pathogenic variants are reported downstream of the variant. The variant has been reported at least twice as pathogenic with clinical assertions and evidence for the classification (ClinVar ID: VCV000127337 / PMID: 8845835). Therefore, this variant is classified as Pathogenic according to the recommendation of ACMG/AMP guideline.

AiLife Diagnostics
Classification: Pathogenic. Last evaluated: 2022-03-16. Review status: criteria provided, single submitter. Criteria: ACMG Guidelines, 2015. Collection method: clinical testing. Allele origin: germline. Affected: yes. Observed: 1 variant allele.

Sema4
Classification: Pathogenic for Hereditary cancer-predisposing syndrome. Last evaluated: 2021-07-13. Review status: criteria provided, single submitter. Criteria: Sema4 Curation Guidelines. Collection method: curation. Allele origin: germline.
Comment: The ATM c.1339C>T (p.R447X) variant has been reported in heterozygosity in at least 3 with ataxia-telangiectasia (PMIDs: 8845835, 15164409, 30772474), and at least 5 individuals with breast cancer, ovarian cancer, and prostate cancer (PMIDs 27433846, 26681312, 28779002, 30322717, 31948886), among reports of additional individuals with ataxia-telangiectasia and cancer. This variant is a founder variant in the Druze population (PMID: 15164409, 8845835). This nonsense variant creates a premature stop codon at residue 447 of the ATM protein. This variant was observed in 1/16256 chromosomes in the African/African American population, according to the Genome Aggregation Database (PMID: 32461654). This variant has been reported in ClinVar (Variation ID: 127337). Based on the current evidence available, this variant is interpreted as pathogenic.

Blueprint Genetics
Classification: Pathogenic for ATM-related disorders. Last evaluated: 2021-04-22. Review status: criteria provided, single submitter. Criteria: ACMG Guidelines, 2015. Collection method: clinical testing. Allele origin: germline. Affected: yes. Observed: 2 variant alleles.

Human Genome Sequencing Center Clinical Lab, Baylor College of Medicine
Classification: Pathogenic for Susceptibility to breast cancer; Ataxia-telangiectasia. Last evaluated: 2018-10-08. Review status: criteria provided, single submitter. Criteria: ACMG Guidelines, 2015. Collection method: clinical testing. Allele origin: germline.
Comment: The c.1339C>T (p.Arg447*) variant in the ATM gene is predicted to introduce a premature translation termination codon, which is predicted to result in nonsense-mediated mRNA decay. This variant has an extremely low frequency in large databases of genetic variation in the general population. Mono-allelic variants in the ATM gene have been associated with susceptibility to breast cancer (MIM #114480) whereas bi-allelic variants in this gene are associated with Ataxia-telangiectasia (MIM #208900). This variant has been reported in several individuals affected with ataxia-telangiectasia (PMID: 8845835, 15164409) and in patients affected with cancer (PMID: 26681312, 27433846). Therefore, the c.1339C>T (p.Arg447*) variant in the ATM gene is classified as pathogenic.

Women's Health and Genetics/Laboratory Corporation of America, LabCorp
Classification: Pathogenic for Ataxia-telangiectasia syndrome. Last evaluated: 2016-12-05. Review status: criteria provided, single submitter. Criteria: LabCorp Variant Classification Summary - May 2015. Collection method: clinical testing. Allele origin: germline.
Comment: Variant summary: The ATM c.1339C>T (p.Arg447X) variant results in a premature termination codon, predicted to cause a truncated or absent ATM protein due to nonsense mediated decay, which are commonly known mechanisms for disease. Truncations downstream of this position have been classified as pathogenic by our laboratory (e.g.c.3049C>T/p.Gln1017X, c.4396C>T/p.Arg1466X). One in silico tool predicts a damaging outcome for this variant. This variant was found in 1/121264 control chromosomes at a frequency of 0.0000082, which does not exceed the estimated maximal expected allele frequency of a pathogenic ATM variant (0.0039528). This variant has been reported as germline variant in mutliple Ataxia-Telangiectasia patients in autosomal recessive inheritance and patients with ovarian cancer, chronic lymphocyti leukemia or prostate cancer in autosomal dominant inheritance. It also has been reported in at least one patient with aggressive cutaneous squamous cell carcinoma as a somatic variant. In addition, multiple clinical diagnostic laboratories/reputable databases classified this variant as pathogenic. Taken together, this variant is classified as pathogenic.

Kariminejad - Najmabadi Pathology & Genetics Center
Classification: Pathogenic for Ataxia-telangiectasia syndrome. Review status: criteria provided, single submitter. Criteria: ACMG Guidelines, 2015. Collection method: clinical testing. Allele origin: germline. Affected: no.

Laboratory for Genotyping Development, RIKEN
Classification: Pathogenic for Gastric cancer. Last evaluated: 2021-07-01. Review status: no assertion criteria provided. Collection method: research. Allele origin: germline. Not counted in ClinVar's aggregate classification.

Counsyl
Classification: Likely pathogenic for Ataxia-telangiectasia syndrome. Last evaluated: 2014-10-17. Review status: no assertion criteria provided. Collection method: literature only. Allele origin: unknown. Inheritance: Autosomal recessive inheritance. Not counted in ClinVar's aggregate classification.

Literature cited by the submitters: PubMed 23807571 (cited by Labcorp Genetics (formerly Invitae), Labcorp); PubMed 25614872 (cited by Labcorp Genetics (formerly Invitae), Labcorp); PubMed 8845835 (cited by 7 submitters); PubMed 15164409 (cited by 7 submitters); PubMed 23612382 (cited by 5 submitters); PubMed 24789685 (cited by 3 submitters); PubMed 26681312 (cited by 6 submitters); PubMed 27433846 (cited by 6 submitters); PubMed 24763289 (cited by Institute for Genomic Medicine (IGM) Clinical Laboratory, Nationwide Children's Hospital and Color Diagnostics, LLC DBA Color Health); PubMed 32694154 (cited by Institute for Genomic Medicine (IGM) Clinical Laboratory, Nationwide Children's Hospital); PubMed 38355628 (cited by Institute for Genomic Medicine (IGM) Clinical Laboratory, Nationwide Children's Hospital); PubMed 28779002 (cited by 4 submitters); PubMed 40161544 (cited by Institute for Genomic Medicine (IGM) Clinical Laboratory, Nationwide Children's Hospital); PubMed 25037873 (cited by Color Diagnostics, LLC DBA Color Health and Counsyl); PubMed 33471991 (cited by Color Diagnostics, LLC DBA Color Health); PubMed 25525159 (cited by Ambry Genetics and AiLife Diagnostics); PubMed 28152038 (cited by Ambry Genetics and AiLife Diagnostics); PubMed 31589614 (cited by AiLife Diagnostics); PubMed 30322717 (cited by AiLife Diagnostics); PubMed 29625052 (cited by AiLife Diagnostics); PubMed 32427313 (cited by AiLife Diagnostics); PubMed 30772474 (cited by AiLife Diagnostics); PubMed 31948886 (cited by AiLife Diagnostics); PubMed 31447099 (cited by AiLife Diagnostics); PubMed 25303977 (cited by Women's Health and Genetics/Laboratory Corporation of America, LabCorp); PubMed 36988593 (cited by Laboratory for Genotyping Development, RIKEN).